The following is an entry in ClinVar:

ClinVar aggregate classification (germline): Uncertain significance. Review status: criteria provided, multiple submitters, no conflicts (2 of 4 stars). 3 submissions from 3 submitters: Uncertain significance (3). Last evaluated 2024-06-24.

Conditions:
Hereditary nonpolyposis colorectal neoplasms. Identifiers: MedGen C0009405, MeSH D003123.
Hereditary cancer-predisposing syndrome. Also called: Hereditary neoplastic syndrome; Neoplastic Syndromes, Hereditary; Hereditary Cancer Syndrome; Tumor predisposition. Identifiers: Orphanet 140162, MedGen C0027672, MeSH D009386, MONDO:0015356.

Allele frequency attached by ClinVar (database versions not stated): gnomAD exomes below 0.00001 and 0.00001.
gnomAD v4.1: 1 of 662,150 alleles (0.00015%); highest among the groups gnomAD compares: Non-Finnish European, 0.00025%; no homozygotes.

Submissions (3):

Ambry Genetics
Classification: Uncertain significance for Hereditary cancer-predisposing syndrome. Last evaluated: 2024-06-24. Review status: criteria provided, single submitter. Criteria: Ambry Variant Classification Scheme 2023. Collection method: clinical testing. Allele origin: germline.
Comment: The p.T832A variant (also known as c.2494A>G), located in coding exon 15 of the PMS2 gene, results from an A to G substitution at nucleotide position 2494. The threonine at codon 832 is replaced by alanine, an amino acid with similar properties. This amino acid position is not well conserved in available vertebrate species. In addition, this alteration is predicted to be tolerated by in silico analysis. Based on the available evidence, the clinical significance of this variant remains unclear.

Labcorp Genetics (formerly Invitae), Labcorp
Classification: Uncertain significance for Hereditary nonpolyposis colorectal neoplasms. Last evaluated: 2024-06-17. Review status: criteria provided, single submitter. Criteria: Invitae Variant Classification Sherloc (09022015). Collection method: clinical testing. Allele origin: germline.
Comment: This sequence change replaces threonine, which is neutral and polar, with alanine, which is neutral and non-polar, at codon 832 of the PMS2 protein (p.Thr832Ala). The frequency data for this variant in the population databases (gnomAD) is considered unreliable due to the presence of homologous sequence, such as pseudogenes or paralogs, in the genome. This variant has not been reported in the literature in individuals affected with PMS2-related conditions. ClinVar contains an entry for this variant (Variation ID: 127784). Advanced modeling of protein sequence and biophysical properties (such as structural, functional, and spatial information, amino acid conservation, physicochemical variation, residue mobility, and thermodynamic stability) performed at Invitae indicates that this missense variant is not expected to disrupt PMS2 protein function with a negative predictive value of 80%. In summary, the available evidence is currently insufficient to determine the role of this variant in disease. Therefore, it has been classified as a Variant of Uncertain Significance.

GeneDx
Classification: Uncertain significance. Last evaluated: 2019-04-05. Review status: criteria provided, single submitter. Criteria: GeneDx Variant Classification Process June 2021. Collection method: clinical testing. Allele origin: germline. Affected: yes.
Comment: Not observed at a significant frequency in large population cohorts (Lek 2016); In silico analysis, which includes protein predictors and evolutionary conservation, supports that this variant does not alter protein structure/function; Has not been previously published as pathogenic or benign to our knowledge

NM_000535.7(PMS2):c.2494A>G (p.Thr832Ala)

Gene: PMS2 (PMS1 homolog 2, mismatch repair system component; minus strand). Cytogenetic location: 7p22.1.
Variant type: single nucleotide variant.
Coding change: c.2494A>G on transcript NM_000535.7 (MANE Select); coding-DNA position 2494, A replaced by G.
Protein change: p.Thr832Ala; replaces threonine 832 with alanine.
Molecular consequence: missense variant. On other transcripts: non-coding transcript variant (1).
Genome position (GRCh38, 1-based): chr7:5,973,494, T>C on the plus strand (A>G on the coding strand, the complement: PMS2 is on the minus strand). VCF-style: chr7-5973494-T-C. GRCh37 (hg19) VCF-style: chr7-6013125-T-C.
Other names: c.1921A>G, p.Thr641Ala (NM_001322013.2); c.2527A>G, p.Thr843Ala (NM_001322014.2); c.2185A>G, p.Thr729Ala (NM_001322015.2); c.2089A>G, p.Thr697Ala (NM_001322003.2, NM_001322004.2, NM_001322005.2); c.2338A>G, p.Thr780Ala (NM_001322006.2); c.2176A>G, p.Thr726Ala (NM_001322007.2, NM_001322008.2); c.2122A>G, p.Thr708Ala (NM_001322009.2); c.1933A>G, p.Thr645Ala (NM_001322010.2); and 1 more; short protein forms T832A, T521A, T645A, T726A, T708A, T780A, T641A, T697A.
Identifiers: ClinVar variation 127784 (VCV000127784.12), dbSNP rs587780056, ClinGen allele CA011576.